The following is an entry in ClinVar:

ClinVar aggregate classification (germline): Uncertain significance (1 of 4 stars; one submission).

Conditions:
Severe combined immunodeficiency due to DCLRE1C deficiency (RS-SCID). Also called: SCID, AUTOSOMAL RECESSIVE, T CELL-NEGATIVE, B CELL-NEGATIVE, NK CELL-POSITIVE, WITH SENSITIVITY TO IONIZING RADIATION. Identifiers: Orphanet 275, MedGen C1865371, MONDO:0011225, OMIM 602450.

Submission:

Labcorp Genetics (formerly Invitae), Labcorp
Classification: Uncertain significance for Athabaskan severe combined immunodeficiency. Last evaluated: 2022-06-27. Review status: criteria provided, single submitter. Criteria: Invitae Variant Classification Sherloc (09022015). Collection method: clinical testing. Allele origin: germline.
Comment: This variant results in a copy number gain of the genomic region encompassing exon(s) 1-8 of the DCLRE1C gene. This region includes the initiator codon of the gene. This copy number gain extends beyond the assayed region for this gene and therefore may encompass additional genes. As the precise location of this event is unknown, it may be in tandem or it may be located elsewhere in the genome. This variant has not been reported in the literature in individuals affected with DCLRE1C-related conditions. Experimental studies and prediction algorithms are not available or were not evaluated, and the functional significance of this variant is currently unknown. In summary, the available evidence is currently insufficient to determine the role of this variant in disease. Therefore, it has been classified as a Variant of Uncertain Significance.

NC_000010.10:g.(?_14976359)_(14996009_?)dup

Gene: DCLRE1C (DNA cross-link repair 1C; minus strand). Cytogenetic location: 10p13.
Variant type: Duplication.
Identifiers: ClinVar variation 2423517 (VCV002423517.3).